The following is an entry in ClinVar:

ClinVar aggregate classification (germline): Uncertain significance. Review status: criteria provided, single submitter (1 of 4 stars). 2 submissions from 2 submitters: Uncertain significance (1). 1 of the submissions does not count toward it. Last evaluated 2024-10-30.

Conditions:
Familial hypocalciuric hypercalcemia (FHH). Also called: Familial benign hypercalcemia. Identifiers: Orphanet 405, MedGen C1809471, MONDO:0018458.
Autosomal dominant hypocalcemia 1 (HYPOC1). Also called: HYPOCALCEMIA, FAMILIAL. Identifiers: MedGen C3715128, MONDO:0011013, OMIM 601198.

Submissions (2):

Labcorp Genetics (formerly Invitae), Labcorp
Classification: Uncertain significance for Familial hypocalciuric hypercalcemia; Autosomal dominant hypocalcemia 1. Last evaluated: 2024-10-30. Review status: criteria provided, single submitter. Criteria: Invitae Variant Classification Sherloc (09022015). Collection method: clinical testing. Allele origin: germline.
Comment: This sequence change replaces methionine, which is neutral and non-polar, with threonine, which is neutral and polar, at codon 307 of the CASR protein (p.Met307Thr). This variant is not present in population databases (gnomAD no frequency). This variant has not been reported in the literature in individuals affected with CASR-related conditions. ClinVar contains an entry for this variant (Variation ID: 64439). An algorithm developed to predict the effect of missense changes on protein structure and function (PolyPhen-2) suggests that this variant is likely to be tolerated. In summary, the available evidence is currently insufficient to determine the role of this variant in disease. Therefore, it has been classified as a Variant of Uncertain Significance.

Martin Pollak Laboratory,  Beth Israel Deaconess Medical Center
Classification: Uncertain significance. Review status: no assertion criteria provided. Collection method: not provided. Allele origin: unknown. Not counted in ClinVar's aggregate classification.
Comment: Lower UCa2+ group
ClinVar note: Converted during submission from unknown to Uncertain significance.

NM_000388.4(CASR):c.920T>C (p.Met307Thr)

Gene: CASR (calcium sensing receptor; plus strand). Cytogenetic location: 3q21.1.
Variant type: single nucleotide variant.
Coding change: c.920T>C on transcript NM_000388.4 (MANE Select); coding-DNA position 920, T replaced by C.
Protein change: p.Met307Thr; replaces methionine 307 with threonine.
Molecular consequence: missense variant.
Genome position (GRCh38, 1-based): chr3:122,261,955, T>C. VCF-style: chr3-122261955-T-C. GRCh37 (hg19) VCF-style: chr3-121980802-T-C.
Other names: c.920T>C, p.Met307Thr (NM_001178065.2); short protein forms M307T.
Identifiers: ClinVar variation 64439 (VCV000064439.8), dbSNP rs387907397, ClinGen allele CA216142.
Genomic context (GRCh38, chr3:122,261,955, plus strand): 5'-ATATCACGGGCAAGATCTGGCTGGCCAGCGAGGCCTGGGCCAGCTCCTCCCTGATCGCCA[T>C]GCCTCAGTACTTCCACGTGGTTGGCGGCACCATTGGATTCGCTCTGAAGGCTGGGCAGAT-3'
Protein context (NP_000379.3, residues 297-317): EAWASSSLIA[Met307Thr]PQYFHVVGGT